The following is an entry in ClinVar:

ClinVar aggregate classification (germline): Uncertain significance. Review status: criteria provided, multiple submitters, no conflicts (2 of 4 stars). 6 submissions from 6 submitters: Uncertain significance (6). Last evaluated 2024-08-26.

Conditions:
Familial adenomatous polyposis 1 (FAP1). Also called: POLYPOSIS, ADENOMATOUS INTESTINAL; FAMILIAL ADENOMATOUS POLYPOSIS 1, ATTENUATED. Identifiers: MedGen C2713442, MONDO:0021056, OMIM 175100. Disease mechanism: loss of function.
Classic or attenuated familial adenomatous polyposis. Identifiers: MedGen CN372698, MONDO:0021057.
APC-Associated Polyposis Disorders.
Hereditary cancer-predisposing syndrome. Also called: Neoplastic Syndromes, Hereditary; Tumor predisposition; Hereditary neoplastic syndrome; Hereditary Cancer Syndrome. Identifiers: Orphanet 140162, MedGen C0027672, MeSH D009386, MONDO:0015356.

Allele frequency attached by ClinVar (database versions not stated): gnomAD exomes below 0.00001; TOPMed below 0.00001; gnomAD 0.00001.

Submissions (6):

Molecular Pathology, Peter Maccallum Cancer Centre
Classification: Uncertain significance for Familial adenomatous polyposis 1. Last evaluated: 2024-08-26. Review status: criteria provided, single submitter. Criteria: ACMG Guidelines, 2015. Collection method: clinical testing. Allele origin: germline. Inheritance: Autosomal dominant inheritance.

All of Us Research Program, National Institutes of Health
Classification: Uncertain significance for Classic or attenuated familial adenomatous polyposis. Last evaluated: 2024-08-06. Review status: criteria provided, single submitter. Criteria: ACMG Guidelines, 2015. Collection method: clinical testing. Allele origin: germline. Inheritance: Autosomal dominant inheritance. Observed: 1 variant allele, 1 heterozygote.
Comment: This study involves interpretation of variants in research participants for the purpose of population health screening. Participant phenotype was not available at the time of variant classification. Additional details can be found in publication PMID: 35346344, PMCID: PMC8962531

Labcorp Genetics (formerly Invitae), Labcorp
Classification: Uncertain significance for Familial adenomatous polyposis 1. Last evaluated: 2024-07-30. Review status: criteria provided, single submitter. Criteria: Invitae Variant Classification Sherloc (09022015). Collection method: clinical testing. Allele origin: germline.
Comment: This sequence change replaces lysine, which is basic and polar, with glutamine, which is neutral and polar, at codon 2186 of the APC protein (p.Lys2186Gln). This variant is present in population databases (no rsID available, gnomAD 0.0009%). This variant has not been reported in the literature in individuals affected with APC-related conditions. ClinVar contains an entry for this variant (Variation ID: 350419). Advanced modeling of protein sequence and biophysical properties (such as structural, functional, and spatial information, amino acid conservation, physicochemical variation, residue mobility, and thermodynamic stability) performed at Invitae indicates that this missense variant is not expected to disrupt APC protein function with a negative predictive value of 95%. In summary, the available evidence is currently insufficient to determine the role of this variant in disease. Therefore, it has been classified as a Variant of Uncertain Significance.

Ambry Genetics
Classification: Uncertain significance for Hereditary cancer-predisposing syndrome. Last evaluated: 2024-07-29. Review status: criteria provided, single submitter. Criteria: Ambry Variant Classification Scheme 2023. Collection method: clinical testing. Allele origin: germline.
Comment: The p.K2186Q variant (also known as c.6556A>C), located in coding exon 15 of the APC gene, results from an A to C substitution at nucleotide position 6556. The lysine at codon 2186 is replaced by glutamine, an amino acid with similar properties.This amino acid position is highly conserved in available vertebrate species. In addition, in silico predictors for this gene do not accurately predict pathogenicity. Since supporting evidence is limited at this time, the clinical significance of this alteration remains unclear.

Color Diagnostics, LLC DBA Color Health
Classification: Uncertain significance for Hereditary cancer-predisposing syndrome. Last evaluated: 2023-12-05. Review status: criteria provided, single submitter. Criteria: ACMG Guidelines, 2015. Collection method: clinical testing. Allele origin: germline.
Comment: This missense variant replaces lysine with glutamine at codon 2186 of the APC protein. Computational prediction suggests that this variant may not impact protein structure and function (internally defined REVEL score threshold <= 0.5, PMID: 27666373). To our knowledge, functional studies have not been reported for this variant. This variant has not been reported in individuals affected with APC-related disorders in the literature. This variant has been identified in 1/248838 chromosomes in the general population by the Genome Aggregation Database (gnomAD). The available evidence is insufficient to determine the role of this variant in disease conclusively. Therefore, this variant is classified as a Variant of Uncertain Significance.

Illumina Laboratory Services, Illumina
Classification: Uncertain significance for APC-Associated Polyposis Disorders. Last evaluated: 2018-01-12. Review status: criteria provided, single submitter. Criteria: ICSL Variant Classification Criteria 13 December 2019. Collection method: clinical testing. Allele origin: germline.

NM_000038.6(APC):c.6556A>C (p.Lys2186Gln)

Gene: APC (APC regulator of Wnt signaling pathway; plus strand). Cytogenetic location: 5q22.2.
Variant type: single nucleotide variant.
Coding change: c.6556A>C on transcript NM_000038.6 (MANE Select); coding-DNA position 6556, A replaced by C.
Protein change: p.Lys2186Gln; replaces lysine 2186 with glutamine.
Molecular consequence: missense variant.
Genome position (GRCh38, 1-based): chr5:112,842,150, A>C. VCF-style: chr5-112842150-A-C. GRCh37 (hg19) VCF-style: chr5-112177847-A-C.
Other names: c.6481A>C, p.Lys2161Gln (NM_001354898.2); c.6472A>C, p.Lys2158Gln (NM_001354899.2); c.6433A>C, p.Lys2145Gln (NM_001354900.2); c.6379A>C, p.Lys2127Gln (NM_001354901.2); c.6283A>C, p.Lys2095Gln (NM_001354902.2); c.6253A>C, p.Lys2085Gln (NM_001354903.2); c.6178A>C, p.Lys2060Gln (NM_001354904.2); c.6556A>C, p.Lys2186Gln (NM_001354895.2, NM_001127510.3); and 5 more; short protein forms K2168Q, K2186Q, K2026Q, K2085Q, K2127Q, K2145Q, K2161Q, K2196Q.
Identifiers: ClinVar variation 350419 (VCV000350419.26), dbSNP rs886059797, ClinGen allele CA10618784.